The following is an entry in ClinVar:

NM_183050.4(BCKDHB):c.845A>C (p.His282Pro)

Gene: BCKDHB (branched chain keto acid dehydrogenase E1 subunit beta; plus strand). Cytogenetic location: 6q14.1.
Variant type: single nucleotide variant.
Coding change: c.845A>C on transcript NM_183050.4 (MANE Select); coding-DNA position 845, A replaced by C.
Protein change: p.His282Pro; replaces histidine 282 with proline.
Molecular consequence: missense variant. On other transcripts: non-coding transcript variant (6).
Genome position (GRCh38, 1-based): chr6:80,203,106, A>C. VCF-style: chr6-80203106-A-C. GRCh37 (hg19) VCF-style: chr6-80912823-A-C.
Other names: c.845A>C, p.His282Pro (NM_000056.5, NM_001424035.1, NM_001424036.1 and 7 more transcripts); c.635A>C, p.His212Pro (NM_001318975.1, NM_001424043.1); short protein forms H212P, H282P.
Identifiers: ClinVar variation 2671672 (VCV002671672.1), dbSNP rs398124597, ClinGen allele CA364660105.

ClinVar aggregate classification (germline): Uncertain significance (1 of 4 stars; one submission).

Conditions:
Maple syrup urine disease (MSUD). Identifiers: Orphanet 511, MedGen C0024776, MeSH D008375, MONDO:0009563. Disease mechanism: loss of function.

Submission:

Neuberg Centre For Genomic Medicine, NCGM
Classification: Uncertain significance for Maple syrup urine disease type 1A. Last evaluated: 2023-03-01. Review status: criteria provided, single submitter. Criteria: ACMG Guidelines, 2015. Collection method: clinical testing. Allele origin: germline. Inheritance: Autosomal recessive inheritance. Affected: yes.
Comment: The missense c.845A>C(p.His282Pro) variant in BCKDHB gene has not been reported previously as a pathogenic variant nor as a benign variant, to our knowledge. This variant is novel (not in any individuals) in gnomAD Exomes and 1000 Genomes. The amino acid His at position 282 is changed to a Pro changing protein sequence and it might alter its composition and physico-chemical properties. The amino acid change p.His282Pro in BCKDHB is predicted as conserved by GERP++ and PhyloP across 100 vertebrates. The variant is predicted as damaging by SIFT. For these reasons, this variant has been classified as Uncertain Significance.